The following is an entry in ClinVar:

ClinVar aggregate classification (germline): Benign. Review status: criteria provided, multiple submitters, no conflicts (2 of 4 stars). 3 submissions from 3 submitters: Benign (2). 1 of the submissions does not count toward it. Last evaluated 2025-01-20.

Conditions:
SEC63-related disorder. Also called: SEC63-related condition.

Submissions (3):

Mayo Clinic Laboratories, Mayo Clinic
Classification: Benign. Last evaluated: 2025-01-20. Review status: criteria provided, single submitter. Criteria: ACMG Guidelines, 2015. Collection method: clinical testing. Allele origin: germline. Observed: 11 variant alleles.
Comment: BS1, BS2, BP4, BP7

Labcorp Genetics (formerly Invitae), Labcorp
Classification: Benign. Last evaluated: 2024-06-14. Review status: criteria provided, single submitter. Criteria: Invitae Variant Classification Sherloc (09022015). Collection method: clinical testing. Allele origin: germline.

PreventionGenetics, part of Exact Sciences
Classification: Benign for SEC63-related condition. Last evaluated: 2019-10-31. Review status: no assertion criteria provided. Collection method: clinical testing. Allele origin: germline. Not counted in ClinVar's aggregate classification.
Comment: This variant is classified as benign based on ACMG/AMP sequence variant interpretation guidelines (Richards et al. 2015 PMID: 25741868, with internal and published modifications).

NM_007214.5(SEC63):c.340-12_340-10del

Gene: SEC63 (SEC63 protein translocation regulator; minus strand). Cytogenetic location: 6q21.
Variant type: Deletion.
Coding change: c.340-12_340-10del on transcript NM_007214.5 (MANE Select); 12 bases into the intron before coding-DNA position 340 through 10 bases into the intron before coding-DNA position 340, 3 bases deleted (GTT; older notation c.340-12_340-10delGTT).
Molecular consequence: intron variant.
Genome position (GRCh38, 1-based): chr6:107,921,919-107,921,921, AAC deleted on the plus strand (GTT on the coding strand, the reverse complement: SEC63 is on the minus strand); deleting any 3 consecutive bases within chr6:107,921,919-107,921,923 gives the same sequence; the c. name uses the placement nearest the transcript's 3' end. VCF-style (leftmost placement, unchanged base first): chr6-107921918-AAAC-A. GRCh37 (hg19) VCF-style: chr6-108243122-AAAC-A.
Other names: p.?.
Identifiers: ClinVar variation 354914 (VCV000354914.15), dbSNP rs200904488, ClinGen allele CA3947746.